The following is an entry in ClinVar:

ClinVar aggregate classification (germline): Uncertain significance. Review status: criteria provided, multiple submitters, no conflicts (2 of 4 stars). 2 submissions from 2 submitters: Uncertain significance (2). Last evaluated 2025-01-11.

Conditions:
Hereditary cancer-predisposing syndrome. Also called: Neoplastic Syndromes, Hereditary; Hereditary Cancer Syndrome; Hereditary neoplastic syndrome; Tumor predisposition. Identifiers: Orphanet 140162, MedGen C0027672, MeSH D009386, MONDO:0015356.
Familial cancer of breast. Also called: hereditary breast carcinoma; BREAST CANCER, FAMILIAL; Hereditary breast cancer. Identifiers: Orphanet 227535, MedGen C0346153, MONDO:0016419, OMIM 114480. Disease mechanism: loss of function.
Fanconi anemia complementation group J. Also called: BRIP1-Related Fanconi Anemia. Identifiers: Orphanet 84, MedGen C1836860, MONDO:0012187, OMIM 609054.

Submissions (2):

Ambry Genetics
Classification: Uncertain significance for Hereditary cancer-predisposing syndrome. Last evaluated: 2025-01-11. Review status: criteria provided, single submitter. Criteria: Ambry Variant Classification Scheme 2023. Collection method: clinical testing. Allele origin: germline.
Comment: The p.G615D variant (also known as c.1844G>A), located in coding exon 12 of the BRIP1 gene, results from a G to A substitution at nucleotide position 1844. The glycine at codon 615 is replaced by aspartic acid, an amino acid with similar properties. This amino acid position is conserved. In addition, this alteration is predicted to be deleterious by in silico analysis. Since supporting evidence is limited at this time, the clinical significance of this alteration remains unclear.

Labcorp Genetics (formerly Invitae), Labcorp
Classification: Uncertain significance for Familial cancer of breast; Fanconi anemia complementation group J. Last evaluated: 2022-06-24. Review status: criteria provided, single submitter. Criteria: Invitae Variant Classification Sherloc (09022015). Collection method: clinical testing. Allele origin: germline.
Comment: In summary, the available evidence is currently insufficient to determine the role of this variant in disease. Therefore, it has been classified as a Variant of Uncertain Significance. Algorithms developed to predict the effect of missense changes on protein structure and function (SIFT, PolyPhen-2, Align-GVGD) all suggest that this variant is likely to be disruptive. This variant has not been reported in the literature in individuals affected with BRIP1-related conditions. This variant is not present in population databases (gnomAD no frequency). This sequence change replaces glycine, which is neutral and non-polar, with aspartic acid, which is acidic and polar, at codon 615 of the BRIP1 protein (p.Gly615Asp).

NM_032043.3(BRIP1):c.1844G>A (p.Gly615Asp)

Gene: BRIP1 (BRCA1 interacting DNA helicase 1; minus strand). Cytogenetic location: 17q23.2.
Variant type: single nucleotide variant.
Coding change: c.1844G>A on transcript NM_032043.3 (MANE Select); coding-DNA position 1844, G replaced by A.
Protein change: p.Gly615Asp; replaces glycine 615 with aspartic acid.
Molecular consequence: missense variant.
Genome position (GRCh38, 1-based): chr17:61,780,352, C>T on the plus strand (G>A on the coding strand, the complement: BRIP1 is on the minus strand). VCF-style: chr17-61780352-C-T. GRCh37 (hg19) VCF-style: chr17-59857713-C-T.
Other names: short protein forms G615D.
Identifiers: ClinVar variation 2190505 (VCV002190505.7), dbSNP rs2077597056, ClinGen allele CA400480130.